The following is an entry in ClinVar:

NM_006612.6(KIF1C):c.2006G>A (p.Arg669Gln)

Genes: KIF1C (kinesin family member 1C; plus strand), LOC126862473 (CDK7 strongly-dependent group 2 enhancer GRCh37_chr17:4923264-4924463; plus strand). Cytogenetic location: 17p13.2.
Variant type: single nucleotide variant.
Coding change: c.2006G>A on transcript NM_006612.6 (MANE Select); coding-DNA position 2006, G replaced by A.
Protein change: p.Arg669Gln; replaces arginine 669 with glutamine.
Molecular consequence: missense variant.
Genome position (GRCh38, 1-based): chr17:5,020,874, G>A. VCF-style: chr17-5020874-G-A. GRCh37 (hg19) VCF-style: chr17-4924169-G-A.
Other names: p.Arg669Gln; short protein forms R669Q.
Identifiers: ClinVar variation 916438 (VCV000916438.45), dbSNP rs566736417, ClinGen allele CA8319182.
Genomic context (GRCh38, chr17:5,020,874, plus strand): 5'-ATCTGGAGAATCAGTACCGGAAAGAAAAGGAAGAAGCCGATCTTCTGCTGGAGCAGCAGC[G>A]ACTGGTGAGGGGCAGCAGGGGCTGGGGATGGGCTGATGGGCAGATGAGCCGCAAGCCTGA-3'
Protein context (NP_006603.2, residues 659-679): EEADLLLEQQ[Arg669Gln]LYADSDSGDD

ClinVar aggregate classification (germline): Uncertain significance. Review status: criteria provided, multiple submitters, no conflicts (2 of 4 stars). 3 submissions from 3 submitters: Uncertain significance (3). Last evaluated 2025-12-16.

Conditions:
Spastic ataxia 2. Also called: Ataxia, spastic, 2, autosomal recessive. Identifiers: Orphanet 397946, MedGen C1969796, MONDO:0012651, OMIM 611302.

Allele frequency attached by ClinVar (database versions not stated): ExAC below 0.00001; gnomAD exomes 0.00008 and 0.00028; gnomAD 0.00012; TOPMed 0.00014.
gnomAD v4.1: 422 of 1,576,486 alleles (0.027%); highest among the groups gnomAD compares: Non-Finnish European, 0.034%; no homozygotes.

Submissions (3):

Mayo Clinic Laboratories, Mayo Clinic
Classification: Uncertain significance. Last evaluated: 2025-12-16. Review status: criteria provided, single submitter. Criteria: ACMG Guidelines, 2015. Collection method: clinical testing. Allele origin: germline. Observed: 1 variant allele.

CeGaT Center for Human Genetics Tuebingen
Classification: Uncertain significance. Last evaluated: 2025-06-01. Review status: criteria provided, single submitter. Criteria: CeGaT Center For Human Genetics Tuebingen Variant Classification Criteria Version 2. Collection method: clinical testing. Allele origin: germline. Affected: yes. Observed: 2 variant alleles.
Comment: KIF1C: PM2

Labcorp Genetics (formerly Invitae), Labcorp
Classification: Uncertain significance for Spastic ataxia 2. Last evaluated: 2022-06-09. Review status: criteria provided, single submitter. Criteria: Invitae Variant Classification Sherloc (09022015). Collection method: clinical testing. Allele origin: germline.
Comment: This sequence change replaces arginine, which is basic and polar, with glutamine, which is neutral and polar, at codon 669 of the KIF1C protein (p.Arg669Gln). This variant is present in population databases (rs566736417, gnomAD 0.02%). This variant has not been reported in the literature in individuals affected with KIF1C-related conditions. ClinVar contains an entry for this variant (Variation ID: 916438). Algorithms developed to predict the effect of missense changes on protein structure and function are either unavailable or do not agree on the potential impact of this missense change (SIFT: "Tolerated"; PolyPhen-2: "Possibly Damaging"; Align-GVGD: "Class C0"). In summary, the available evidence is currently insufficient to determine the role of this variant in disease. Therefore, it has been classified as a Variant of Uncertain Significance.